The following is an entry in ClinVar:

NM_000458.4(HNF1B):c.1285C>T (p.Gln429Ter)

Gene: HNF1B (HNF1 homeobox B; minus strand). Cytogenetic location: 17q12.
Variant type: single nucleotide variant.
Coding change: c.1285C>T on transcript NM_000458.4 (MANE Select); coding-DNA position 1285, C replaced by T.
Protein change: p.Gln429Ter; replaces glutamine 429 with a stop codon.
Molecular consequence: nonsense.
Genome position (GRCh38, 1-based): chr17:37,704,971, G>A on the plus strand (C>T on the coding strand, the complement: HNF1B is on the minus strand). VCF-style: chr17-37704971-G-A. GRCh37 (hg19) VCF-style: chr17-36064978-G-A.
Other names: c.1207C>T, p.Gln403Ter (NM_001165923.4, NM_001304286.2); c.1285C>T, p.Gln429Ter (NM_001411100.1); short protein forms Q403*, Q429*.
Identifiers: ClinVar variation 3723211 (VCV003723211.2).

ClinVar aggregate classification (germline): Pathogenic (1 of 4 stars; one submission).

Submission:

Labcorp Genetics (formerly Invitae), Labcorp
Classification: Pathogenic. Last evaluated: 2024-10-17. Review status: criteria provided, single submitter. Criteria: Invitae Variant Classification Sherloc (09022015). Collection method: clinical testing. Allele origin: germline.
Comment: This sequence change creates a premature translational stop signal (p.Gln429*) in the HNF1B gene. It is expected to result in an absent or disrupted protein product. Loss-of-function variants in HNF1B are known to be pathogenic (PMID: 9398836, 12148114, 15068978, 20378641). This variant is not present in population databases (gnomAD no frequency). This variant has not been reported in the literature in individuals affected with HNF1B-related conditions. For these reasons, this variant has been classified as Pathogenic.

Literature cited by the submitters: PubMed 9398836; PubMed 12148114; PubMed 15068978; PubMed 20378641.